The following is an entry in ClinVar:

NM_001365276.2(TNXB):c.3375G>A (p.Lys1125=)

Gene: TNXB (tenascin XB; minus strand). Cytogenetic location: 6p21.33.
Variant type: single nucleotide variant.
Coding change: c.3375G>A on transcript NM_001365276.2 (MANE Select); coding-DNA position 3375, G replaced by A.
Protein change: p.Lys1125=; no amino-acid change (lysine 1125 retained).
Molecular consequence: synonymous variant.
Genome position (GRCh38, 1-based): chr6:32,084,483, C>T on the plus strand (G>A on the coding strand, the complement: TNXB is on the minus strand). VCF-style: chr6-32084483-C-T. GRCh37 (hg19) VCF-style: chr6-32052260-C-T.
Other names: p.Lys1125=; c.4116G>A, p.Lys1372= (NM_001428335.1); c.3375G>A, p.Lys1125= (NM_019105.8).
Identifiers: ClinVar variation 4684963 (VCV004684963.1).
Genomic context (GRCh38, chr6:32,084,483, plus strand): 5'-TTCAGCCACCAGCGGACCATGCCTCTTCTTGCCAACAAACCCATACAGGACAAATTTGTA[C>T]TTGCGGCCAGGATCCAGGGAGGTGATGACGGCCGAGCGCTGGGGTCCTTCCACGGGCACC-3'
Protein context (NP_001352205.1, residues 1115-1135): AVITSLDPGR[Lys1125=]YKFVLYGFVG

ClinVar aggregate classification (germline): Likely benign (1 of 4 stars; one submission).

gnomAD v4.1: 20 of 1,608,410 alleles (0.0012%); highest among the groups gnomAD compares: Non-Finnish European, 0.0016%; no homozygotes.

Submission:

Mayo Clinic Laboratories, Mayo Clinic
Classification: Likely benign. Last evaluated: 2025-02-17. Review status: criteria provided, single submitter. Criteria: ACMG Guidelines, 2015. Collection method: clinical testing. Allele origin: germline. Observed: 1 variant allele.
Comment: BP4, BP7, PM2_supporting